The following is an entry in ClinVar:

NM_001042492.3(NF1):c.4174-15A>G

Gene: NF1 (neurofibromin 1; plus strand). Cytogenetic location: 17q11.2.
Variant type: single nucleotide variant.
Coding change: c.4174-15A>G on transcript NM_001042492.3 (MANE Select); 15 bases into the intron before coding-DNA position 4174, A replaced by G.
Molecular consequence: intron variant.
Genome position (GRCh38, 1-based): chr17:31,258,329, A>G. VCF-style: chr17-31258329-A-G. GRCh37 (hg19) VCF-style: chr17-29585347-A-G.
Other names: c.4111-15A>G (NM_000267.4).
Identifiers: ClinVar variation 3022697 (VCV003022697.3), dbSNP rs2151461679, ClinGen allele CA2733596486.

ClinVar aggregate classification (germline): Uncertain significance (1 of 4 stars; one submission).

Conditions:
Neurofibromatosis, type 1 (NF1). Also called: Neurofibromatosis, type I; NEUROFIBROMATOSIS, TYPE I, SOMATIC; VON RECKLINGHAUSEN DISEASE; Peripheral type neurofibromatosis. Identifiers: Orphanet 636, MedGen C0027831, MONDO:0018975, OMIM 162200. Disease mechanism: loss of function.

Submission:

Labcorp Genetics (formerly Invitae), Labcorp
Classification: Uncertain significance for Neurofibromatosis, type 1. Last evaluated: 2023-12-21. Review status: criteria provided, single submitter. Criteria: Invitae Variant Classification Sherloc (09022015). Collection method: clinical testing. Allele origin: germline.
Comment: This sequence change falls in intron 30 of the NF1 gene. It does not directly change the encoded amino acid sequence of the NF1 protein. This variant is not present in population databases (gnomAD no frequency). This variant has not been reported in the literature in individuals affected with NF1-related conditions. RNA analysis provides insufficient evidence to determine the effect of this variant on NF1 splicing (Invitae). In summary, the available evidence is currently insufficient to determine the role of this variant in disease. Therefore, it has been classified as a Variant of Uncertain Significance.